The following is an entry in ClinVar:

ClinVar aggregate classification (germline): Uncertain significance (1 of 4 stars; one submission).

Conditions:
Gastrointestinal stromal tumor. Also called: Gastrointestinal stroma tumor; Gastrointestinal stromal tumor, somatic. Identifiers: Orphanet 44890, MedGen C0238198, MeSH D046152, MONDO:0011719, OMIM 606764, HP:0100723.

Submission:

Labcorp Genetics (formerly Invitae), Labcorp
Classification: Uncertain significance for Gastrointestinal stromal tumor. Last evaluated: 2025-07-14. Review status: criteria provided, single submitter. Criteria: Invitae Variant Classification Sherloc (09022015). Collection method: clinical testing. Allele origin: germline.
Comment: This sequence change replaces valine, which is neutral and non-polar, with alanine, which is neutral and non-polar, at codon 10 of the PDGFRA protein (p.Val10Ala). This variant is not present in population databases (gnomAD no frequency). This variant has not been reported in the literature in individuals affected with PDGFRA-related conditions. ClinVar contains an entry for this variant (Variation ID: 1477342). An algorithm developed to predict the effect of missense changes on protein structure and function (PolyPhen-2) suggests that this variant is likely to be disruptive. In summary, the available evidence is currently insufficient to determine the role of this variant in disease. Therefore, it has been classified as a Variant of Uncertain Significance.

NM_006206.6(PDGFRA):c.29T>C (p.Val10Ala)

Gene: PDGFRA (platelet derived growth factor receptor alpha; plus strand). Cytogenetic location: 4q12.
Variant type: single nucleotide variant.
Coding change: c.29T>C on transcript NM_006206.6 (MANE Select); coding-DNA position 29, T replaced by C.
Protein change: p.Val10Ala; replaces valine 10 with alanine.
Molecular consequence: missense variant.
Genome position (GRCh38, 1-based): chr4:54,258,797, T>C. VCF-style: chr4-54258797-T-C. GRCh37 (hg19) VCF-style: chr4-55124964-T-C.
Other names: c.29T>C, p.Val10Ala (NM_001347827.2, NM_001347829.2); c.104T>C, p.Val35Ala (NM_001347828.2); c.68T>C, p.Val23Ala (NM_001347830.2); short protein forms V23A, V10A, V35A.
Identifiers: ClinVar variation 1477342 (VCV001477342.8), dbSNP rs781404006, ClinGen allele CA356888089.
Genomic context (GRCh38, chr4:54,258,797, plus strand): 5'-TTGACTTTTGACTTTTCTAGTTTCCCAGAGCTATGGGGACTTCCCATCCGGCGTTCCTGG[T>C]CTTAGGCTGTCTTCTCACAGGTACGGAGCCCAGTCCTCTCTGAGTTCCTTGTTTGGGTGT-3'
Protein context (NP_006197.1, residues 1-20): MGTSHPAFL[Val10Ala]LGCLLTGLSL